The following is an entry in ClinVar:

NM_000292.3(PHKA2):c.3027G>A (p.Gln1009=)

Gene: PHKA2 (phosphorylase kinase regulatory subunit alpha 2; minus strand). Cytogenetic location: Xp22.13.
Variant type: single nucleotide variant.
Coding change: c.3027G>A on transcript NM_000292.3 (MANE Select); coding-DNA position 3027, G replaced by A.
Protein change: p.Gln1009=; no amino-acid change (glutamine 1009 retained).
Molecular consequence: synonymous variant.
Genome position (GRCh38, 1-based): chrX:18,901,485, C>T on the plus strand (G>A on the coding strand, the complement: PHKA2 is on the minus strand). VCF-style: chrX-18901485-C-T. GRCh37 (hg19) VCF-style: chrX-18919603-C-T.
Identifiers: ClinVar variation 2578152 (VCV002578152.1), dbSNP rs2518569834, ClinGen allele CA515474393.

ClinVar aggregate classification (germline): Uncertain significance (1 of 4 stars; one submission).

Submission:

GeneDx
Classification: Uncertain significance. Last evaluated: 2023-03-01. Review status: criteria provided, single submitter. Criteria: GeneDx Variant Classification Process June 2021. Collection method: clinical testing. Allele origin: germline. Affected: yes.
Comment: Not observed at significant frequency in large population cohorts (gnomAD); Has not been previously published as pathogenic or benign to our knowledge; In silico analysis is inconclusive as to whether the variant alters gene splicing. In the absence of RNA/functional studies, the actual effect of this sequence change is unknown.